The following is an entry in ClinVar:

NM_014712.3(SETD1A):c.4983G>A (p.Glu1661=)

Gene: SETD1A (SET domain containing 1A, histone lysine methyltransferase; plus strand). Cytogenetic location: 16p11.2.
Variant type: single nucleotide variant.
Coding change: c.4983G>A on transcript NM_014712.3 (MANE Select); coding-DNA position 4983, G replaced by A.
Protein change: p.Glu1661=; no amino-acid change (glutamic acid 1661 retained).
Molecular consequence: synonymous variant.
Genome position (GRCh38, 1-based): chr16:30,983,882, G>A. VCF-style: chr16-30983882-G-A. GRCh37 (hg19) VCF-style: chr16-30995203-G-A.
Identifiers: ClinVar variation 1675619 (VCV001675619.34), dbSNP rs766086848, ClinGen allele CA8017763.

ClinVar aggregate classification (germline): Likely benign. Review status: criteria provided, multiple submitters, no conflicts (2 of 4 stars). 2 submissions from 2 submitters: Likely benign (2). Last evaluated 2025-11-01.

Allele frequency attached by ClinVar (database versions not stated): gnomAD exomes 0.00013 and 0.00016; gnomAD 0.00014 and 0.00015; TOPMed 0.00014; ExAC 0.00019.
gnomAD v4.1: 220 of 1,611,800 alleles (0.014%); highest among the groups gnomAD compares: Middle Eastern, 0.23%; no homozygotes.

Submissions (2):

CeGaT Center for Human Genetics Tuebingen
Classification: Likely benign. Last evaluated: 2025-11-01. Review status: criteria provided, single submitter. Criteria: CeGaT Center For Human Genetics Tuebingen Variant Classification Criteria Version 2. Collection method: clinical testing. Allele origin: germline. Affected: yes. Observed: 3 variant alleles.
Comment: SETD1A: BP4, BP7

Breakthrough Genomics
Classification: Likely benign. Review status: criteria provided, single submitter. Criteria: ACMG Guidelines, 2015. Collection method: not provided. Allele origin: germline. Inheritance: Autosomal dominant inheritance. Affected: yes.